The following is an entry in ClinVar:

ClinVar aggregate classification (germline): Uncertain significance (1 of 4 stars; one submission).

Conditions:
Von Hippel-Lindau syndrome (VHLS). Also called: Von Hippel-Lindau; von Hippel–Lindau syndrome; VHL syndrome. Identifiers: Orphanet 892, MedGen C0019562, MONDO:0008667, OMIM 193300. Disease mechanism: loss of function.
Chuvash polycythemia. Also called: POLYCYTHEMIA, VHL-DEPENDENT. Identifiers: Orphanet 238557, MedGen C1837915, MONDO:0009892, OMIM 263400.

Submission:

Labcorp Genetics (formerly Invitae), Labcorp
Classification: Uncertain significance for Von Hippel-Lindau syndrome; Chuvash polycythemia. Last evaluated: 2025-10-19. Review status: criteria provided, single submitter. Criteria: Invitae Variant Classification Sherloc (09022015). Collection method: clinical testing. Allele origin: germline.
Comment: This sequence change falls in intron 1 of the VHL gene. It is not expected to change the encoded amino acid sequence of the VHL protein. However, this sequence change falls within a cryptic exon in the VHL gene, known as exon E1’, which is naturally expressed at low levels in several human tissues (PMID: 29891534). This variant is not present in population databases (gnomAD no frequency). This variant has not been reported in the literature in individuals affected with VHL-related conditions. ClinVar contains an entry for this variant (Variation ID: 1044992). Studies have shown that this variant is associated with inconclusive levels of altered splicing (internal data). In summary, the available evidence is currently insufficient to determine the role of this variant in disease. Therefore, it has been classified as a Variant of Uncertain Significance.

Literature cited by the submitters: PubMed 29891534.

NM_000551.4(VHL):c.340+617C>T

Genes: VHL (von Hippel-Lindau tumor suppressor; plus strand), LOC107303340 (3p25 von Hippel-Lindau tumor suppressor, E3 ubiquitin protein ligase Alu-mediated recombination region; plus strand). Cytogenetic location: 3p25.3.
Variant type: single nucleotide variant.
Coding change: c.340+617C>T on transcript NM_000551.4 (MANE Select); 617 bases into the intron after coding-DNA position 340, C replaced by T.
Molecular consequence: intron variant. On other transcripts: missense variant (1).
Genome position (GRCh38, 1-based): chr3:10,142,804, C>T. VCF-style: chr3-10142804-C-T. GRCh37 (hg19) VCF-style: chr3-10184488-C-T.
Other names: c.382C>T, p.Leu128Phe (NM_001354723.2); c.340+617C>T (NM_198156.3); short protein forms L128F.
Identifiers: ClinVar variation 1044992 (VCV001044992.9), dbSNP rs1575923261, ClinGen allele CA1345067205.